The following is an entry in ClinVar:

ClinVar aggregate classification (germline): Uncertain significance (1 of 4 stars; one submission).

Submission:

GeneDx
Classification: Uncertain significance. Last evaluated: 2026-04-22. Review status: criteria provided, single submitter. Criteria: GeneDx Variant Classification Process June 2021. Collection method: clinical testing. Allele origin: germline.
Comment: Not observed at significant frequency in large population cohorts (gnomAD); Has not been previously published as pathogenic or benign to our knowledge; In silico analysis does not support a benign or deleterious effect of this variant on protein structure/function

NM_019066.5(MAGEL2):c.433C>T (p.Pro145Ser)

Gene: MAGEL2 (MAGE family member L2; minus strand). Cytogenetic location: 15q11.2.
Variant type: single nucleotide variant.
Coding change: c.433C>T on transcript NM_019066.5 (MANE Select); coding-DNA position 433, C replaced by T.
Protein change: p.Pro145Ser; replaces proline 145 with serine.
Molecular consequence: missense variant.
Genome position (GRCh38, 1-based): chr15:23,647,310, G>A on the plus strand (C>T on the coding strand, the complement: MAGEL2 is on the minus strand). VCF-style: chr15-23647310-G-A. GRCh37 (hg19) VCF-style: chr15-23892457-G-A.
Other names: short protein forms P145S.
Identifiers: ClinVar variation 5037564 (VCV005037564.1).